The following is an entry in ClinVar:

ClinVar aggregate classification (germline): Uncertain significance (1 of 4 stars; one submission).

Allele frequency attached by ClinVar (database versions not stated): ExAC 0.00001; gnomAD exomes 0.00001.
gnomAD v4.1: 4 of 1,614,116 alleles (0.00025%); highest among the groups gnomAD compares: East Asian, 0.0089%; no homozygotes.

Submission:

Labcorp Genetics (formerly Invitae), Labcorp
Classification: Uncertain significance. Last evaluated: 2022-09-28. Review status: criteria provided, single submitter. Criteria: Invitae Variant Classification Sherloc (09022015). Collection method: clinical testing. Allele origin: germline.
Comment: In summary, the available evidence is currently insufficient to determine the role of this variant in disease. Therefore, it has been classified as a Variant of Uncertain Significance. Algorithms developed to predict the effect of missense changes on protein structure and function are either unavailable or do not agree on the potential impact of this missense change (SIFT: "Deleterious"; PolyPhen-2: "Benign"; Align-GVGD: "Class C0"). This variant has not been reported in the literature in individuals affected with COX10-related conditions. This variant is present in population databases (rs769788363, gnomAD 0.01%). This sequence change replaces methionine, which is neutral and non-polar, with arginine, which is basic and polar, at codon 99 of the COX10 protein (p.Met99Arg).

NM_001303.4(COX10):c.296T>G (p.Met99Arg)

Gene: COX10 (cytochrome c oxidase assembly factor heme A:farnesyltransferase COX10; plus strand). Cytogenetic location: 17p12.
Variant type: single nucleotide variant.
Coding change: c.296T>G on transcript NM_001303.4 (MANE Select); coding-DNA position 296, T replaced by G.
Protein change: p.Met99Arg; replaces methionine 99 with arginine.
Molecular consequence: missense variant.
Genome position (GRCh38, 1-based): chr17:14,076,853, T>G. VCF-style: chr17-14076853-T-G. GRCh37 (hg19) VCF-style: chr17-13980170-T-G.
Other names: short protein forms M99R.
Identifiers: ClinVar variation 2038449 (VCV002038449.4), dbSNP rs769788363, ClinGen allele CA8402292.